The following is an entry in ClinVar:

NM_006231.4(POLE):c.4378G>A (p.Ala1460Thr)

Gene: POLE (DNA polymerase epsilon, catalytic subunit; minus strand). Cytogenetic location: 12q24.33.
Variant type: single nucleotide variant.
Coding change: c.4378G>A on transcript NM_006231.4 (MANE Select); coding-DNA position 4378, G replaced by A.
Protein change: p.Ala1460Thr; replaces alanine 1460 with threonine.
Molecular consequence: missense variant.
Genome position (GRCh38, 1-based): chr12:132,643,473, C>T on the plus strand (G>A on the coding strand, the complement: POLE is on the minus strand). VCF-style: chr12-132643473-C-T. GRCh37 (hg19) VCF-style: chr12-133220059-C-T.
Other names: short protein forms A1460T.
Identifiers: ClinVar variation 941687 (VCV000941687.9), dbSNP rs2042202983, ClinGen allele CA387381215.
Genomic context (GRCh38, chr12:132,643,473, plus strand): 5'-CCAGGTAGCTGAACTGGGCCAGAGAGCGCATCTCCAGGTGCTCAAGAGCAAAGGTCTCTG[C>T]TTCCCAGCCTGAAAGGTGCCTCACCAGCTGTTTATTGACCACACACACACAGCCCAGGTG-3'
Protein context (NP_006222.2, residues 1450-1470): QLVRHLSGWE[Ala1460Thr]ETFALEHLEM

ClinVar aggregate classification (germline): Uncertain significance (1 of 4 stars; one submission).

Submission:

Labcorp Genetics (formerly Invitae), Labcorp
Classification: Uncertain significance. Last evaluated: 2019-07-18. Review status: criteria provided, single submitter. Criteria: Invitae Variant Classification Sherloc (09022015). Collection method: clinical testing. Allele origin: germline.
Comment: In summary, the available evidence is currently insufficient to determine the role of this variant in disease. Therefore, it has been classified as a Variant of Uncertain Significance. Algorithms developed to predict the effect of missense changes on protein structure and function output the following: SIFT: "Tolerated"; PolyPhen-2: "Benign"; Align-GVGD: "Class C0". The threonine amino acid residue is found in multiple mammalian species, suggesting that this missense change does not adversely affect protein function. These predictions have not been confirmed by published functional studies and their clinical significance is uncertain. This variant has not been reported in the literature in individuals with POLE-related conditions. This variant is not present in population databases (ExAC no frequency). This sequence change replaces alanine with threonine at codon 1460 of the POLE protein (p.Ala1460Thr). The alanine residue is moderately conserved and there is a small physicochemical difference between alanine and threonine.